The following is an entry in ClinVar:

ClinVar aggregate classification (germline): Likely pathogenic. Review status: criteria provided, multiple submitters, no conflicts (2 of 4 stars). 6 submissions from 6 submitters: Likely pathogenic (6). Last evaluated 2026-01-14.

Conditions:
Cardiovascular phenotype. Identifiers: MedGen CN230736.
TTN-related disorder. Also called: TTN-related disorders; TTN-related condition; TTN-related disease.
Primary dilated cardiomyopathy (DCM). Also called: Dilated Cardiomyopathy. Identifiers: Orphanet 217604, MedGen C0007193, MeSH D002311, MONDO:0005021, HP:0001644. Inheritance: Various modes of inheritance.
Dilated cardiomyopathy 1G (CMD1G). Identifiers: Orphanet 154, MedGen C1858763, MONDO:0011400, OMIM 604145.
Autosomal recessive limb-girdle muscular dystrophy type 2J (LGMDR10). Also called: Limb-girdle muscular dystrophy, type 2J; MUSCULAR DYSTROPHY, LIMB-GIRDLE, AUTOSOMAL RECESSIVE 10. Identifiers: Orphanet 140922, MedGen C1837342, MONDO:0012127, OMIM 608807.
Hypertrophic cardiomyopathy 9. Also called: Familial hypertrophic cardiomyopathy 9. Identifiers: MedGen C1861065, MONDO:0013412, OMIM 613765.

Allele frequency attached by ClinVar (database versions not stated): gnomAD 0.00001; TOPMed 0.00001.
gnomAD v4.1: 1 of 1,611,748 alleles (0.000062%); no homozygotes.

Submissions (6):

Labcorp Genetics (formerly Invitae), Labcorp
Classification: Likely pathogenic for Dilated cardiomyopathy 1G; Autosomal recessive limb-girdle muscular dystrophy type 2J. Last evaluated: 2026-01-14. Review status: criteria provided, single submitter. Criteria: Invitae Variant Classification Sherloc (09022015). Collection method: clinical testing. Allele origin: germline.
Comment: This sequence change creates a premature translational stop signal (p.Trp19898*) in the TTN gene. While this is not anticipated to result in nonsense mediated decay, it is expected to create a truncated TTN protein. This variant is not present in population databases (gnomAD no frequency). This variant has not been reported in the literature in individuals affected with TTN-related conditions. ClinVar contains an entry for this variant (Variation ID: 504986). This variant is located in the A band of TTN (PMID: 25589632). Truncating variants in this region are significantly overrepresented in patients affected with dilated cardiomyopathy (PMID: 25589632). Truncating variants in this region have also been reported in individuals affected with autosomal recessive centronuclear myopathy (PMID: 23975875). In summary, the currently available evidence indicates that the variant is pathogenic, but additional data are needed to prove that conclusively. Therefore, this variant has been classified as Likely Pathogenic.

GeneDx
Classification: Likely pathogenic. Last evaluated: 2025-06-16. Review status: criteria provided, single submitter. Criteria: GeneDx Variant Classification Process June 2021. Collection method: clinical testing. Allele origin: germline. Affected: yes.
Comment: Reported in an individual with propionic acidemia and cardiomyopathy with worsening heart failure despite appropriate metabolic management for propionic acidemia (PMID: 36393899); Nonsense variant predicted to result in protein truncation or nonsense mediated decay in a gene for which loss of function is a known mechanism of disease; Not observed at significant frequency in large population cohorts (gnomAD); This variant is associated with the following publications: (PMID: 36393899, 22335739, 32778822)

Ambry Genetics
Classification: Likely pathogenic for Cardiovascular phenotype. Last evaluated: 2025-04-13. Review status: criteria provided, single submitter. Criteria: Ambry Variant Classification Scheme 2023. Collection method: clinical testing. Allele origin: germline.
Comment: The p.W10833* variant (also known as c.32498G>A), located in coding exon 129 of the TTN gene, results from a G to A substitution at nucleotide position 32498. This changes the amino acid from a tryptophan to a stop codon within coding exon 129. This exon is located in the A-band region of the N2-B isoform of the titin protein and is constitutively expressed in TTN transcripts (percent spliced in or PSI 100%). This variant is considered to be rare based on population cohorts in the Genome Aggregation Database (gnomAD). This variant is expected to result in loss of function by premature protein truncation or nonsense-mediated mRNA decay. While truncating variants in TTN are present in 1-3% of the general population, truncating variants in the A-band are the most common cause of dilated cardiomyopathy (Herman DS et al. N. Engl. J. Med., 2012 Feb;366:619-28; Roberts AM et al. Sci Transl Med, 2015 Jan;7:270ra6). TTN truncating variants encoded in constitutive exons (PSI >90%) have been found to be significantly associated with DCM regardless of their position in titin (Schafer S et al. Nat. Genet., 2017 01;49:46-53; Akhtar MM et al. Circ Heart Fail, 2020 Oct;13:e006832; Massier M et al. Clin Genet, 2025 Jan). Based on the majority of available evidence to date, this variant is likely to be pathogenic.

Blueprint Genetics
Classification: Likely pathogenic for TTN-related disorders. Last evaluated: 2022-09-08. Review status: criteria provided, single submitter. Criteria: ACMG Guidelines, 2015. Collection method: clinical testing. Allele origin: germline. Affected: yes. Observed: 1 variant allele.

Laboratory for Molecular Medicine, Mass General Brigham Personalized Medicine
Classification: Likely pathogenic for Primary dilated cardiomyopathy. Last evaluated: 2016-04-27. Review status: criteria provided, single submitter. Criteria: LMM Criteria. Collection method: clinical testing. Allele origin: germline. Observed: 1 variant allele.
Comment: The p.Trp17330X variant in TTN has not been previously reported in individuals w ith cardiomyopathy or in large population studies. This nonsense variant leads t o a premature termination codon at position 17330, which is predicted to lead to a truncated or absent protein. Nonsense and other truncating variants in TTN ar e strongly associated with DCM if they impact the exons encoding for the A-band (Herman 2012, Pugh 2014) and/or are located in an exon that is highly expressed in the heart (Roberts 2015). The p.Trp17330X variant is located in A-band in the highly expressed exon 251. In summary, although additional studies are required to fully establish its clinical significance, the p.Trp17330X variant is likely pathogenic.

Neuberg Centre For Genomic Medicine, NCGM
Classification: Likely pathogenic for Hypertrophic cardiomyopathy 9. Review status: criteria provided, single submitter. Criteria: ACMG Guidelines, 2015. Collection method: clinical testing. Allele origin: germline. Inheritance: Autosomal dominant inheritance. Affected: yes.
Comment: The stop gained c.59693G>A (p.Trp19898Ter) variant in TTN gene has been submitted in ClinVar as Likely pathogenic variant but not reported in affected individuals. The variant is novel (not in any individuals) in gnomAD Exomes and is novel (not in any individuals) in 1000 Genomes. This variant is predicted to cause loss of normal protein function through protein truncation. Loss of function variants have been previously reported to be disease causing. For these reasons, this variant has been classified as Likely Pathogenic.

Literature cited by the submitters: PubMed 25589632 (cited by Labcorp Genetics (formerly Invitae), Labcorp); PubMed 23975875 (cited by Labcorp Genetics (formerly Invitae), Labcorp).

NM_001267550.2(TTN):c.59693G>A (p.Trp19898Ter)

Genes: TTN (titin; minus strand), TTN-AS1 (TTN antisense RNA 1; plus strand), LOC126806424 (CDK7 strongly-dependent group 2 enhancer GRCh37_chr2:179456337-179457536; plus strand). Cytogenetic location: 2q31.2.
Variant type: single nucleotide variant.
Coding change: c.59693G>A on transcript NM_001267550.2 (MANE Select); coding-DNA position 59693, G replaced by A.
Protein change: p.Trp19898Ter; replaces tryptophan 19898 with a stop codon.
Molecular consequence: nonsense.
Genome position (GRCh38, 1-based): chr2:178,592,211, C>T on the plus strand (G>A on the coding strand, the complement: TTN is on the minus strand). VCF-style: chr2-178592211-C-T. GRCh37 (hg19) VCF-style: chr2-179456938-C-T.
Other names: c.51989G>A, p.Trp17330Ter (NM_133378.4); c.54770G>A, p.Trp18257Ter (NM_001256850.1); c.32498G>A, p.Trp10833Ter (NM_003319.4); c.32873G>A, p.Trp10958Ter (NM_133432.3); c.33074G>A, p.Trp11025Ter (NM_133437.4); c.59693G>A (NM_001267550.1); short protein forms W17330*, W19898*, W10833*, W11025*, W10958*, W18257*.
Identifiers: ClinVar variation 504986 (VCV000504986.22), dbSNP rs974671846, ClinGen allele CA60970456.